The following is an entry in ClinVar:

NM_001267550.2(TTN):c.79861A>G (p.Thr26621Ala)

Genes: TTN (titin; minus strand), TTN-AS1 (TTN antisense RNA 1; plus strand). Cytogenetic location: 2q31.2.
Variant type: single nucleotide variant.
Coding change: c.79861A>G on transcript NM_001267550.2 (MANE Select); coding-DNA position 79861, A replaced by G.
Protein change: p.Thr26621Ala; replaces threonine 26621 with alanine.
Molecular consequence: missense variant.
Genome position (GRCh38, 1-based): chr2:178,566,271, T>C on the plus strand (A>G on the coding strand, the complement: TTN is on the minus strand). VCF-style: chr2-178566271-T-C. GRCh37 (hg19) VCF-style: chr2-179430998-T-C.
Other names: c.74938A>G, p.Thr24980Ala (NM_001256850.1); c.52666A>G, p.Thr17556Ala (NM_003319.4); c.72157A>G, p.Thr24053Ala (NM_133378.4); c.53041A>G, p.Thr17681Ala (NM_133432.3); c.53242A>G, p.Thr17748Ala (NM_133437.4); short protein forms T17556A, T26621A, T17748A, T24053A, T24980A, T17681A.
Identifiers: ClinVar variation 264466 (VCV000264466.5), dbSNP rs372537578, ClinGen allele CA1989425.

ClinVar aggregate classification (germline): Uncertain significance (1 of 4 stars; one submission).

Conditions:
Cardiovascular phenotype. Identifiers: MedGen CN230736.

Allele frequency attached by ClinVar (database versions not stated): gnomAD exomes 0.00001 and 0.00003; ExAC 0.00002; ESP Exome Variant Server 0.00008; gnomAD 0.00009 and 0.00011; TOPMed 0.00013.
gnomAD v4.1: 27 of 1,613,588 alleles (0.0017%); highest among the groups gnomAD compares: African/African-American, 0.029%; no homozygotes.

Submission:

Ambry Genetics
Classification: Uncertain significance for Cardiovascular phenotype. Last evaluated: 2015-11-12. Review status: criteria provided, single submitter. Criteria: Ambry Variant Classification Scheme 2023. Collection method: clinical testing. Allele origin: germline.
Comment: The p.T17556A variant (also known as c.52666A>G), located in coding exon 153 of the TTN gene, results from an A to G substitution at nucleotide position 52666. The threonine at codon 17556 is replaced by alanine, an amino acid with similar properties. This variant was previously reported in the SNPDatabase as rs372537578. Based on data from ExAC, the G allele has an overall frequency of approximately 0.001% (2/120710). The highest observed frequency was 0.01% (1/9800) of African alleles (Exome Aggregation Consortium (ExAC), Cambridge, MA (URL) [Accessed November 10, 2015]). Based on data from the NHLBI Exome Sequencing Project (ESP), the G allele has an overall frequency of approximately 0.01% (1/12144) total alleles studied, having been observed in 0.03% (1/3844) African American alleles. This amino acid position is not well conserved in available vertebrate species, and alanine is the reference amino acid in one species. In addition, this alteration is predicted to be tolerated by in silico analysis. Since supporting evidence is limited at this time, the clinical significance of this variant remains unclear.